The following is an entry in ClinVar:

NM_000093.5(COL5A1):c.3805C>T (p.Gln1269Ter)

Gene: COL5A1 (collagen type V alpha 1 chain; plus strand). Cytogenetic location: 9q34.3.
Variant type: single nucleotide variant.
Coding change: c.3805C>T on transcript NM_000093.5 (MANE Select); coding-DNA position 3805, C replaced by T.
Protein change: p.Gln1269Ter; replaces glutamine 1269 with a stop codon.
Molecular consequence: nonsense.
Genome position (GRCh38, 1-based): chr9:134,812,665, C>T. VCF-style: chr9-134812665-C-T. GRCh37 (hg19) VCF-style: chr9-137704511-C-T.
Other names: c.3805C>T (NM_000093.3); c.3805C>T, p.Gln1269Ter (NM_001278074.1); short protein forms Q1269*.
Identifiers: ClinVar variation 459681 (VCV000459681.9), dbSNP rs1554805142, ClinGen allele CA375454980.
Genomic context (GRCh38, chr9:134,812,665, plus strand): 5'-GGCCCCCCGGGTCCCCCTGGCCCCCGAGGACCCTCCGGAGCTCCAGGTGCTGATGGCCCA[C>T]AAGGTCCCCCAGGTGGAATAGGAAACCCTGGTGCAGTGGGAGAGAAGGTGAGGCTCGTGC-3'

ClinVar aggregate classification (germline): Pathogenic. Review status: criteria provided, multiple submitters, no conflicts (2 of 4 stars). 2 submissions from 2 submitters: Pathogenic (2). Last evaluated 2023-03-17.

Conditions:
Ehlers-Danlos syndrome, classic type, 1 (EDSCL1). Also called: EHLERS-DANLOS SYNDROME, GRAVIS TYPE; EHLERS-DANLOS SYNDROME, SEVERE CLASSIC TYPE; EDS I; Ehlers-Danlos Syndrome, Classic Type, COL5A1-Related; Ehlers-Danlos syndrome, type 1. Identifiers: MedGen C0268335, MONDO:0019567, OMIM 130000.

Submissions (2):

GeneDx
Classification: Pathogenic. Last evaluated: 2023-03-17. Review status: criteria provided, single submitter. Criteria: GeneDx Variant Classification Process June 2021. Collection method: clinical testing. Allele origin: germline. Affected: yes.
Comment: Nonsense variant predicted to result in protein truncation or nonsense mediated decay in a gene for which loss of function is a known mechanism of disease; Not observed at significant frequency in large population cohorts (gnomAD); Has not been previously published as pathogenic or benign to our knowledge

Labcorp Genetics (formerly Invitae), Labcorp
Classification: Pathogenic for Ehlers-Danlos syndrome, classic type, 1. Last evaluated: 2017-07-09. Review status: criteria provided, single submitter. Criteria: Invitae Variant Classification Sherloc (09022015). Collection method: clinical testing. Allele origin: germline.
Comment: This sequence change creates a premature translational stop signal (p.Gln1269*) in the COL5A1 gene. It is expected to result in an absent or disrupted protein product. For these reasons, this variant has been classified as Pathogenic. Loss-of-function variants in COL5A1 are known to be pathogenic (PMID: 23587214). This variant has not been reported in the literature in individuals with COL5A1-related disease. This variant is not present in population databases (ExAC no frequency).

Literature cited by the submitters: PubMed 23587214 (cited by Labcorp Genetics (formerly Invitae), Labcorp).